The following is an entry in ClinVar:

ClinVar aggregate classification (germline): Likely pathogenic (1 of 4 stars; one submission).

Conditions:
3-methylcrotonyl-CoA carboxylase 2 deficiency. Also called: METHYLCROTONYLGLYCINURIA, TYPE II; 3 alpha methylcrotonyl-CoA carboxylase 2 deficiency; 3 alpha methylcrotonylglycinuria 2; MCC 2 deficiency; Methylcrotonylglycinuria type 2. Identifiers: Orphanet 6, MedGen C1859499, MONDO:0008862, OMIM 210210.

gnomAD v4.1: 1 of 1,614,222 alleles (0.000062%); highest among the groups gnomAD compares: East Asian, 0.0022%; no homozygotes.

Submission:

Natera, Inc.
Classification: Likely pathogenic for 3-methylcrotonyl-CoA carboxylase 2 deficiency. Last evaluated: 2025-01-28. Review status: criteria provided, single submitter. Criteria: Natera Variant Classification Schema (03/2026). Collection method: clinical testing. Allele origin: germline.
Comment: The c.757G>T variant in MCCC2 is a nonsense variant predicted to introduce a stop codon at amino acid 253. This variant is expected to result in nonsense mediated decay, truncation, or a dysfunctional protein product. This variant is rare in the general population with a frequency below the threshold expected for the associated phenotype(s). Given the available evidence, this variant is classified as Likely Pathogenic.

NM_022132.5(MCCC2):c.757G>T (p.Glu253Ter)

Gene: MCCC2 (methylcrotonyl-CoA carboxylase subunit 2; plus strand). Cytogenetic location: 5q13.2.
Variant type: single nucleotide variant.
Coding change: c.757G>T on transcript NM_022132.5 (MANE Select); coding-DNA position 757, G replaced by T.
Protein change: p.Glu253Ter; replaces glutamic acid 253 with a stop codon.
Molecular consequence: nonsense.
Genome position (GRCh38, 1-based): chr5:71,632,139, G>T. VCF-style: chr5-71632139-G-T. GRCh37 (hg19) VCF-style: chr5-70927966-G-T.
Other names: c.643G>T, p.Glu215Ter (NM_001363147.1); short protein forms E215*, E253*.
Identifiers: ClinVar variation 4057544 (VCV004057544.2).